The following is an entry in ClinVar:

ClinVar aggregate classification (germline): Uncertain significance. Review status: criteria provided, multiple submitters, no conflicts (2 of 4 stars). 3 submissions from 3 submitters: Uncertain significance (3). Last evaluated 2025-02-15.

gnomAD v4.1: 4 of 1,613,288 alleles (0.00025%); highest among the groups gnomAD compares: African/African-American, 0.0013%; no homozygotes.

Submissions (3):

Ambry Genetics
Classification: Uncertain significance. Last evaluated: 2025-02-15. Review status: criteria provided, single submitter. Criteria: Ambry Variant Classification Scheme 2023. Collection method: clinical testing. Allele origin: germline.

Labcorp Genetics (formerly Invitae), Labcorp
Classification: Uncertain significance. Last evaluated: 2022-04-13. Review status: criteria provided, single submitter. Criteria: Invitae Variant Classification Sherloc (09022015). Collection method: clinical testing. Allele origin: germline.
Comment: Algorithms developed to predict the effect of missense changes on protein structure and function output the following: SIFT: "Tolerated"; PolyPhen-2: "Benign"; Align-GVGD: "Class C0". The glutamine amino acid residue is found in multiple mammalian species, which suggests that this missense change does not adversely affect protein function. In summary, the available evidence is currently insufficient to determine the role of this variant in disease. Therefore, it has been classified as a Variant of Uncertain Significance. ClinVar contains an entry for this variant (Variation ID: 858899). This variant has not been reported in the literature in individuals affected with ABRAXAS1-related conditions. This variant is present in population databases (rs760079258, gnomAD 0.004%). This sequence change replaces arginine, which is basic and polar, with glutamine, which is neutral and polar, at codon 148 of the ABRAXAS1 protein (p.Arg148Gln).

Women's Health and Genetics/Laboratory Corporation of America, LabCorp
Classification: Uncertain significance. Last evaluated: 2019-10-10. Review status: criteria provided, single submitter. Criteria: LabCorp Variant Classification Summary - May 2015. Collection method: clinical testing. Allele origin: germline.
Comment: Variant summary: FAM175A c.443G>A (p.Arg148Gln) results in a conservative amino acid change located in the MPN domain of the encoded protein sequence. Five of five in-silico tools predict a benign effect of the variant on protein function. The variant allele was found at a frequency of 1.2e-05 in 250772 control chromosomes (gnomAD). The available data on variant occurrences in the general population are insufficient to allow any conclusion about variant significance. To our knowledge, no occurrence of c.443G>A in individuals affected with Hereditary Breast and Ovarian Cancer and no experimental evidence demonstrating its impact on protein function have been reported. No clinical diagnostic laboratories have submitted clinical-significance assessments for this variant to ClinVar after 2014. Based on the evidence outlined above, the variant was classified as uncertain significance.

NM_139076.3(ABRAXAS1):c.443G>A (p.Arg148Gln)

Gene: ABRAXAS1 (abraxas 1, BRCA1 A complex subunit; minus strand). Cytogenetic location: 4q21.23.
Variant type: single nucleotide variant.
Coding change: c.443G>A on transcript NM_139076.3 (MANE Select); coding-DNA position 443, G replaced by A.
Protein change: p.Arg148Gln; replaces arginine 148 with glutamine.
Molecular consequence: missense variant.
Genome position (GRCh38, 1-based): chr4:83,470,236, C>T on the plus strand (G>A on the coding strand, the complement: ABRAXAS1 is on the minus strand). VCF-style: chr4-83470236-C-T. GRCh37 (hg19) VCF-style: chr4-84391389-C-T.
Other names: c.116G>A, p.Arg39Gln (NM_001345962.2); short protein forms R39Q, R148Q.
Identifiers: ClinVar variation 858899 (VCV000858899.12), dbSNP rs760079258, ClinGen allele CA2990553.
Genomic context (GRCh38, chr4:83,470,236, plus strand): 5'-TACAGCCAGTGACTGGCCAACATTTACCCTTTTTGAGGTTTATATAAGGAATGTTCCAGT[C>T]GATGAGTAGAGCAGCTTTCTGTTATTATACTTGGTGTTAATAGCAGAAAAACAAGGTCTT-3'
Protein context (NP_620775.2, residues 138-158): SIITESCSTH[Arg148Gln]LEHSLYKPQK